The following is an entry in ClinVar:

NM_001367624.2(ZNF469):c.1874T>G (p.Leu625Arg)

Gene: ZNF469 (zinc finger protein 469; plus strand). Cytogenetic location: 16q24.2.
Variant type: single nucleotide variant.
Coding change: c.1874T>G on transcript NM_001367624.2 (MANE Select); coding-DNA position 1874, T replaced by G.
Protein change: p.Leu625Arg; replaces leucine 625 with arginine.
Molecular consequence: missense variant.
Genome position (GRCh38, 1-based): chr16:88,429,344, T>G. VCF-style: chr16-88429344-T-G. GRCh37 (hg19) VCF-style: chr16-88495752-T-G.
Other names: NM_001127464.1:c.1874T>G; short protein forms L625R.
Identifiers: ClinVar variation 1781754 (VCV001781754.2), dbSNP rs1017354019, ClinGen allele CA286373146.
Genomic context (GRCh38, chr16:88,429,344, plus strand): 5'-GCTCTTCCCTGTCGCCGATGTCCAGCAGCCCAGCCAACCCCAGCTCAGAGGAAAGCCAGC[T>G]CCCCGGCCCCCTCGGGCCCTCGGCCTTCTTCCACCCACCCACTCACCCCCAGGAGACGGG-3'
Protein context (NP_001354553.1, residues 615-635): PANPSSEESQ[Leu625Arg]PGPLGPSAFF

ClinVar aggregate classification (germline): Uncertain significance (1 of 4 stars; one submission).

Conditions:
Cardiovascular phenotype. Identifiers: MedGen CN230736.

Allele frequency attached by ClinVar (database versions not stated): gnomAD exomes below 0.00001; gnomAD 0.00003; TOPMed 0.00003.
gnomAD v4.1: 12 of 1,549,590 alleles (0.00077%); highest among the groups gnomAD compares: African/African-American, 0.015%; no homozygotes.

Submission:

Ambry Genetics
Classification: Uncertain significance for Cardiovascular phenotype. Last evaluated: 2022-09-26. Review status: criteria provided, single submitter. Criteria: Ambry Variant Classification Scheme 2023. Collection method: clinical testing. Allele origin: germline.
Comment: The p.L625R variant (also known as c.1874T>G), located in coding exon 1 of the ZNF469 gene, results from a T to G substitution at nucleotide position 1874. The leucine at codon 625 is replaced by arginine, an amino acid with dissimilar properties. This amino acid position is conserved. In addition, this alteration is predicted to be tolerated by in silico analysis. Since supporting evidence is limited at this time, the clinical significance of this alteration remains unclear.